The following is an entry in ClinVar:

ClinVar aggregate classification (germline): Uncertain significance. Review status: criteria provided, multiple submitters, no conflicts (2 of 4 stars). 2 submissions from 2 submitters: Uncertain significance (2). Last evaluated 2024-06-01.

gnomAD v4.1: 12 of 1,613,994 alleles (0.00074%); highest among the groups gnomAD compares: Non-Finnish European, 0.001%; no homozygotes.

Submissions (2):

CeGaT Center for Human Genetics Tuebingen
Classification: Uncertain significance. Last evaluated: 2024-06-01. Review status: criteria provided, single submitter. Criteria: CeGaT Center For Human Genetics Tuebingen Variant Classification Criteria Version 2. Collection method: clinical testing. Allele origin: germline. Affected: yes. Observed: 1 variant allele.
Comment: SETD5: PM2, BP4

Labcorp Genetics (formerly Invitae), Labcorp
Classification: Uncertain significance. Last evaluated: 2022-08-10. Review status: criteria provided, single submitter. Criteria: Invitae Variant Classification Sherloc (09022015). Collection method: clinical testing. Allele origin: germline.
Comment: In summary, the available evidence is currently insufficient to determine the role of this variant in disease. Therefore, it has been classified as a Variant of Uncertain Significance. Algorithms developed to predict the effect of missense changes on protein structure and function (SIFT, PolyPhen-2, Align-GVGD) all suggest that this variant is likely to be tolerated. ClinVar contains an entry for this variant (Variation ID: 1446209). This variant has not been reported in the literature in individuals affected with SETD5-related conditions. This variant is not present in population databases (gnomAD no frequency). This sequence change replaces glycine, which is neutral and non-polar, with arginine, which is basic and polar, at codon 1085 of the SETD5 protein (p.Gly1085Arg).

NM_001080517.3(SETD5):c.3253G>C (p.Gly1085Arg)

Gene: SETD5 (SET domain containing 5; plus strand). Cytogenetic location: 3p25.3.
Variant type: single nucleotide variant.
Coding change: c.3253G>C on transcript NM_001080517.3 (MANE Select); coding-DNA position 3253, G replaced by C.
Protein change: p.Gly1085Arg; replaces glycine 1085 with arginine.
Molecular consequence: missense variant.
Genome position (GRCh38, 1-based): chr3:9,473,293, G>C. VCF-style: chr3-9473293-G-C. GRCh37 (hg19) VCF-style: chr3-9514977-G-C.
Other names: c.2959G>C, p.Gly987Arg (NM_001292043.2, NM_001349451.2); short protein forms G987R, G1085R.
Identifiers: ClinVar variation 1446209 (VCV001446209.24), dbSNP rs767095342, ClinGen allele CA351685067.